The following is an entry in ClinVar:

ClinVar aggregate classification (germline): Uncertain significance (1 of 4 stars; one submission).

Conditions:
Inborn genetic diseases. Identifiers: MedGen C0950123, MeSH D030342.

Submission:

Ambry Genetics
Classification: Uncertain significance for Inborn genetic diseases. Last evaluated: 2026-06-02. Review status: criteria provided, single submitter. Criteria: Ambry Variant Classification Scheme 2023. Collection method: clinical testing. Allele origin: germline.
Comment: The p.K1219N variant (also known as c.3657A>C), located in coding exon 1 of the SAMD9L gene, results from an A to C substitution at nucleotide position 3657. The lysine at codon 1219 is replaced by asparagine, an amino acid with similar properties. This amino acid position is conserved. In addition, this alteration is predicted to be tolerated by in silico analysis. Based on the available evidence, the clinical significance of this variant remains unclear.

NM_152703.5(SAMD9L):c.3657A>C (p.Lys1219Asn)

Gene: SAMD9L (sterile alpha motif domain containing 9 like; minus strand). Cytogenetic location: 7q21.2.
Variant type: single nucleotide variant.
Coding change: c.3657A>C on transcript NM_152703.5 (MANE Select); coding-DNA position 3657, A replaced by C.
Protein change: p.Lys1219Asn; replaces lysine 1219 with asparagine.
Molecular consequence: missense variant.
Genome position (GRCh38, 1-based): chr7:93,132,315, T>G on the plus strand (A>C on the coding strand, the complement: SAMD9L is on the minus strand). VCF-style: chr7-93132315-T-G. GRCh37 (hg19) VCF-style: chr7-92761628-T-G.
Other names: c.3657A>C, p.Lys1219Asn (NM_001303496.3, NM_001303497.3, NM_001303498.3 and 5 more transcripts); short protein forms K1219N.
Identifiers: ClinVar variation 4864022 (VCV004864022.1).